The following is an entry in ClinVar:

NM_000416.3(IFNGR1):c.974C>T (p.Pro325Leu)

Gene: IFNGR1 (interferon gamma receptor 1; minus strand). Cytogenetic location: 6q23.3.
Variant type: single nucleotide variant.
Coding change: c.974C>T on transcript NM_000416.3 (MANE Select); coding-DNA position 974, C replaced by T.
Protein change: p.Pro325Leu; replaces proline 325 with leucine.
Molecular consequence: missense variant.
Genome position (GRCh38, 1-based): chr6:137,198,527, G>A on the plus strand (C>T on the coding strand, the complement: IFNGR1 is on the minus strand). VCF-style: chr6-137198527-G-A. GRCh37 (hg19) VCF-style: chr6-137519664-G-A.
Other names: c.944C>T, p.Pro315Leu (NM_001363526.1); c.851C>T, p.Pro284Leu (NM_001363527.1); short protein forms P284L, P315L, P325L.
Identifiers: ClinVar variation 992563 (VCV000992563.5), dbSNP rs753495798, ClinGen allele CA4018837.

ClinVar aggregate classification (germline): Uncertain significance. Review status: criteria provided, multiple submitters, no conflicts (2 of 4 stars). 2 submissions from 2 submitters: Uncertain significance (2). Last evaluated 2024-05-23.

Conditions:
Hepatitis B virus, susceptibility to. Also called: HBV, SUSCEPTIBILITY TO. Identifiers: MedGen C1864880, MONDO:0012488, OMIM 610424.
Autosomal dominant mendelian susceptibility to mycobacterial diseases due to partial IFNgammaR1 deficiency. Also called: IMMUNODEFICIENCY 27B, MYCOBACTERIOSIS, AUTOSOMAL DOMINANT; IFNGR1 DEFICIENCY, AUTOSOMAL DOMINANT; Immunodeficiency 27b. Identifiers: Orphanet 319581, MedGen C4014863, MONDO:0014429, OMIM 615978.
Helicobacter pylori infection, susceptibility to. Identifiers: MedGen C1838332, MONDO:0010853, OMIM 600263.
Immunodeficiency 27A (IMD27A). Also called: IMMUNODEFICIENCY 27A, MYCOBACTERIOSIS, AUTOSOMAL RECESSIVE; IFNGR1 DEFICIENCY, AUTOSOMAL RECESSIVE. Identifiers: Orphanet 319569, Orphanet 99898, MedGen C4011949, MONDO:0008856, OMIM 209950.
Mycobacterium tuberculosis, susceptibility to. Identifiers: MedGen C1834752, OMIM 607948.
Disseminated atypical mycobacterial infection. Identifiers: MedGen C0694566.

Allele frequency attached by ClinVar (database versions not stated): gnomAD exomes 0.00001; TOPMed 0.00001; ExAC 0.00002; gnomAD 0.00002 and 0.00003.
gnomAD v4.1: 15 of 1,613,830 alleles (0.00093%); highest among the groups gnomAD compares: Admixed American, 0.0033%; no homozygotes.

Submissions (2):

Labcorp Genetics (formerly Invitae), Labcorp
Classification: Uncertain significance for Disseminated atypical mycobacterial infection. Last evaluated: 2024-05-23. Review status: criteria provided, single submitter. Criteria: Invitae Variant Classification Sherloc (09022015). Collection method: clinical testing. Allele origin: germline.
Comment: This sequence change replaces proline, which is neutral and non-polar, with leucine, which is neutral and non-polar, at codon 325 of the IFNGR1 protein (p.Pro325Leu). This variant is present in population databases (rs753495798, gnomAD 0.003%). This variant has not been reported in the literature in individuals affected with IFNGR1-related conditions. ClinVar contains an entry for this variant (Variation ID: 992563). Advanced modeling of protein sequence and biophysical properties (such as structural, functional, and spatial information, amino acid conservation, physicochemical variation, residue mobility, and thermodynamic stability) performed at Invitae indicates that this missense variant is not expected to disrupt IFNGR1 protein function with a negative predictive value of 80%. In summary, the available evidence is currently insufficient to determine the role of this variant in disease. Therefore, it has been classified as a Variant of Uncertain Significance.

Center for Genomics, Ann and Robert H. Lurie Children's Hospital of Chicago
Classification: Uncertain significance for Helicobacter pylori infection, susceptibility to; Immunodeficiency 27A; Autosomal dominant mendelian susceptibility to mycobacterial diseases due to partial IFNgammaR1 deficiency; Mycobacterium tuberculosis, susceptibility to; Hepatitis B virus, susceptibility to. Review status: criteria provided, single submitter. Criteria: ACMG Guidelines, 2015. Collection method: clinical testing. Allele origin: germline.
Comment: IFNGR1 NM_000416.2 exon 7 p.Pro325Leu (c.974C>T): This variant has not been reported in the literature but is present in 0.003% (1/30610) of South Asian alleles in the Genome Aggregation Database. Evolutionary conservation and computational predictive tools suggest that this variant may not impact the protein. In summary, data on this variant is insufficient for disease classification. Therefore, the clinical significance of this variant is uncertain.